The following is an entry in ClinVar:

NM_000088.4(COL1A1):c.2921G>A (p.Gly974Asp)

Gene: COL1A1 (collagen type I alpha 1 chain; minus strand). Cytogenetic location: 17q21.33.
Variant type: single nucleotide variant.
Coding change: c.2921G>A on transcript NM_000088.4 (MANE Select); coding-DNA position 2921, G replaced by A.
Protein change: p.Gly974Asp; replaces glycine 974 with aspartic acid.
Molecular consequence: missense variant.
Genome position (GRCh38, 1-based): chr17:50,189,184, C>T on the plus strand (G>A on the coding strand, the complement: COL1A1 is on the minus strand). VCF-style: chr17-50189184-C-T. GRCh37 (hg19) VCF-style: chr17-48266545-C-T.
Other names: short protein forms G974D.
Identifiers: ClinVar variation 4531665 (VCV004531665.1).

ClinVar aggregate classification (germline): Pathogenic (1 of 4 stars; one submission).

Conditions:
Osteogenesis imperfecta, perinatal lethal (OI2). Also called: OSTEOGENESIS IMPERFECTA, TYPE II; Osteogenesis imperfecta, dominant perinatal lethal; OI, TYPE II; OSTEOGENESIS IMPERFECTA CONGENITA; VROLIK TYPE OF OSTEOGENESIS IMPERFECTA; Osteogenesis imperfecta type 2. Identifiers: Orphanet 216804, MedGen C0268358, MONDO:0008147, OMIM 166210.

Submission:

Victorian Clinical Genetics Services, Murdoch Childrens Research Institute
Classification: Pathogenic for Osteogenesis imperfecta, perinatal lethal. Last evaluated: 2025-03-11. Review status: criteria provided, single submitter. Criteria: ACMG Guidelines, 2015. Collection method: clinical testing. Allele origin: germline. Affected: yes.
Comment: This variant is classified as Pathogenic. Evidence in support of pathogenic classification: Variant is absent from gnomAD (v2, v3 and v4); This variant has limited previous evidence of pathogenicity in an unrelated individual(s). This variant has been reported in the literature in a fetus with osteogenesis imperfecta type II (PMID: 17078022); Another missense variant(s) comparable to the one identified in this case has moderate previous evidence for pathogenicity. p.(Gly974Ala) has been reported in the literature in individuals with osteogenesis imperfecta (PMIDs: 19358256, 22206639, 30886339, 37715362); Variant is located in the well-established functional Gly-X-Y motif in the collagen triple helical region (DECIPHER, UniProt); Missense variant predicted to be damaging by in silico tool(s) or highly conserved with a major amino acid change; Additional information: Variant is predicted to result in a missense amino acid change from glycine to aspartic acid; This variant is heterozygous; This gene is associated with autosomal dominant disease; No published segregation evidence has been identified for this variant; No published functional evidence has been identified for this variant; Dominant negative and loss of function are known mechanisms of disease in this gene and are associated with osteogenesis imperfecta (OI) types I-IV, and other conditions (OMIM). Variants resulting in a truncated protein are known to have a loss of function effect on protein, while missense variants affecting the G-X-Y of a triple helix motif have a dominant negative effect (PMID: 27509835, PMID: 12362985); Variants in this gene are known to have variable expressivity (PMID: 20301472).

Literature cited by the submitters: PubMed 12362985; PubMed 17078022; PubMed 30886339; PubMed 22206639; PubMed 27509835; PubMed 37715362; PubMed 20301472; PubMed 19358256.